The following is an entry in ClinVar:

ClinVar aggregate classification (germline): Pathogenic (1 of 4 stars; one submission).

Allele frequency attached by ClinVar (database versions not stated): ESP Exome Variant Server 0.00008; ExAC 0.00002; gnomAD exomes 0.00001; TOPMed 0.00001.

Submission:

Labcorp Genetics (formerly Invitae), Labcorp
Classification: Pathogenic. Last evaluated: 2025-04-23. Review status: criteria provided, single submitter. Criteria: Invitae Variant Classification Sherloc (09022015). Collection method: clinical testing. Allele origin: germline.
Comment: This sequence change creates a premature translational stop signal (p.Lys201Glufs*14) in the DGUOK gene. It is expected to result in an absent or disrupted protein product. Loss-of-function variants in DGUOK are known to be pathogenic (PMID: 18205204). This variant is present in population databases (rs770802920, gnomAD 0.007%). This variant has not been reported in the literature in individuals affected with DGUOK-related conditions. ClinVar contains an entry for this variant (Variation ID: 3007048). For these reasons, this variant has been classified as Pathogenic.

Literature cited by the submitters: PubMed 18205204.

NM_080916.3(DGUOK):c.601_602del (p.Lys201fs)

Gene: DGUOK (deoxyguanosine kinase; plus strand). Cytogenetic location: 2p13.1.
Variant type: Deletion.
Coding change: c.601_602del on transcript NM_080916.3 (MANE Select); coding-DNA positions 601 to 602, 2 bases deleted (AA; older notation c.601_602delAA).
Protein change: p.Lys201fs; shifts the reading frame from lysine 201.
Molecular consequence: frameshift variant. On other transcripts: non-coding transcript variant (1), intron variant (2).
Genome position (GRCh38, 1-based): chr2:73,957,134-73,957,135, AA deleted. VCF-style (leftmost placement, unchanged base first): chr2-73957133-GAA-G. GRCh37 (hg19) VCF-style: chr2-74184260-GAA-G.
Other names: c.310_311del, p.Lys104fs (NM_001318860.2, NM_001318861.2); c.292_293del, p.Lys98fs (NM_001318862.2, NM_001318863.2); c.444-1012_444-1011del (NM_080918.3); c.426-1012_426-1011del (NM_001318859.2); short protein forms K201fs, K98fs, K104fs.
Identifiers: ClinVar variation 3007048 (VCV003007048.3), dbSNP rs770802920, ClinGen allele CA1718307.
Genomic context (GRCh38, chr2:73,957,133, plus strand): 5'-GTAGCAGCCAAAACAGCAAAGAGCTCATCAGGGCTTGGGGACTGTCTTTTAGGTTTGTTT[GAA>G]GAGACTGTACCAGAGGGCCAGGGAGGAGGAGAAAGGAATTGAGCTGGCCTATCTAGAGCA-3'